The following is an entry in ClinVar:

NM_024426.6(WT1):c.674T>C (p.Val225Ala)

Gene: WT1 (WT1 transcription factor; minus strand). Cytogenetic location: 11p13.
Variant type: single nucleotide variant.
Coding change: c.674T>C on transcript NM_024426.6 (MANE Select); coding-DNA position 674, T replaced by C.
Protein change: p.Val225Ala; replaces valine 225 with alanine.
Molecular consequence: missense variant. On other transcripts: non-coding transcript variant (1).
Genome position (GRCh38, 1-based): chr11:32,428,607, A>G on the plus strand (T>C on the coding strand, the complement: WT1 is on the minus strand). VCF-style: chr11-32428607-A-G. GRCh37 (hg19) VCF-style: chr11-32450153-A-G.
Other names: c.674T>C, p.Val225Ala (NM_000378.6, NM_001407044.1, NM_001407045.1 and 4 more transcripts); c.23T>C, p.Val8Ala (NM_001198551.2, NM_001198552.2); c.-89T>C (NM_001407051.1); c.659T>C, p.Val220Ala (NM_024425.2); c.659T>C (NM_024426.4); short protein forms V225A, V8A, V220A.
Identifiers: ClinVar variation 2079662 (VCV002079662.5), dbSNP rs576902446, ClinGen allele CA065442.

ClinVar aggregate classification (germline): Conflicting classifications of pathogenicity. Review status: criteria provided, conflicting classifications (1 of 4 stars). 2 submissions from 2 submitters: Uncertain significance (1); Likely benign (1). Last evaluated 2024-08-21.

Conditions:
Drash syndrome (DDS). Also called: WILMS TUMOR AND PSEUDO- OR TRUE HERMAPHRODITISM; NEPHROPATHY, WILMS TUMOR, AND GENITAL ANOMALIES. Identifiers: Orphanet 220, MedGen C0950121, MONDO:0008682, OMIM 194080.
Wilms tumor 1 (WT1). Also called: Wilms tumor, somatic. Identifiers: Orphanet 654, MedGen CN033288, MONDO:0008679, OMIM 194070.
11p partial monosomy syndrome (WAGR). Also called: CHROMOSOME 11p13 DELETION SYNDROME; WAGR Spectrum Disorder; WAGR syndrome; WAGR Complex. Identifiers: Orphanet 893, MedGen C0206115, MONDO:0008681, OMIM 194072.
Frasier syndrome. Identifiers: Orphanet 347, MedGen C0950122, MeSH D052159, MONDO:0007635, OMIM 136680.
Inborn genetic diseases. Identifiers: MedGen C0950123, MeSH D030342.

Allele frequency attached by ClinVar (database versions not stated): gnomAD exomes below 0.00001; gnomAD 0.00001; ExAC 0.00003; 1000 Genomes Project 30x 0.00016; 1000 Genomes Project 0.00020.
gnomAD v4.1: 7 of 1,613,446 alleles (0.00043%); highest among the groups gnomAD compares: South Asian, 0.0066%; no homozygotes.

Submissions (2):

Ambry Genetics
Classification: Likely benign for Inborn genetic diseases. Last evaluated: 2024-08-21. Review status: criteria provided, single submitter. Criteria: Ambry Variant Classification Scheme 2023. Collection method: clinical testing. Allele origin: germline.

Labcorp Genetics (formerly Invitae), Labcorp
Classification: Uncertain significance for Wilms tumor 1; Drash syndrome; 11p partial monosomy syndrome; Frasier syndrome. Last evaluated: 2023-06-15. Review status: criteria provided, single submitter. Criteria: Invitae Variant Classification Sherloc (09022015). Collection method: clinical testing. Allele origin: germline.
Comment: In summary, the available evidence is currently insufficient to determine the role of this variant in disease. Therefore, it has been classified as a Variant of Uncertain Significance. This sequence change replaces valine, which is neutral and non-polar, with alanine, which is neutral and non-polar, at codon 220 of the WT1 protein (p.Val220Ala). This variant is present in population databases (rs576902446, gnomAD 0.01%). This variant has not been reported in the literature in individuals affected with WT1-related conditions. ClinVar contains an entry for this variant (Variation ID: 2079662). An algorithm developed to predict the effect of missense changes on protein structure and function (PolyPhen-2) suggests that this variant is likely to be tolerated.